The following is an entry in ClinVar:

NM_001042492.3(NF1):c.4457_4458delinsAA (p.Cys1486Ter)

Gene: NF1 (neurofibromin 1; plus strand). Cytogenetic location: 17q11.2.
Variant type: Indel.
Coding change: c.4457_4458delinsAA on transcript NM_001042492.3 (MANE Select); coding-DNA positions 4457 to 4458, GT replaced by AA.
Protein change: p.Cys1486Ter; replaces cysteine 1486 with a stop codon.
Molecular consequence: nonsense.
Genome position (GRCh38, 1-based): chr17:31,260,395-31,260,396, GT replaced by AA. VCF-style: chr17-31260395-GT-AA. GRCh37 (hg19) VCF-style: chr17-29587413-GT-AA.
Other names: c.4394_4395delGTinsAA (NM_000267.3); c.4394_4395delGTinsAA, p.Cys1465Ter (NM_000267.4); short protein forms C1465*, C1486*.
Identifiers: ClinVar variation 1740247 (VCV001740247.2), dbSNP rs2508420793, ClinGen allele CA2580093079.

ClinVar aggregate classification (germline): Pathogenic (1 of 4 stars; one submission).

Conditions:
Cardiovascular phenotype. Identifiers: MedGen CN230736.
Hereditary cancer-predisposing syndrome. Also called: Hereditary Cancer Syndrome; Hereditary neoplastic syndrome; Neoplastic Syndromes, Hereditary; Tumor predisposition. Identifiers: Orphanet 140162, MedGen C0027672, MeSH D009386, MONDO:0015356.

Submission:

Ambry Genetics
Classification: Pathogenic for Cardiovascular phenotype; Hereditary cancer-predisposing syndrome. Last evaluated: 2022-03-08. Review status: criteria provided, single submitter. Criteria: Ambry Variant Classification Scheme 2023. Collection method: clinical testing. Allele origin: germline.
Comment: The c.4394_4395delGTinsAA pathogenic mutation (also known as p.C1465*), located in coding exon 33 of the NF1 gene, results from an in-frame deletion of GT and insertion of AA at nucleotide positions 4394 to 4395. This changes the amino acid from a cysteine to a stop codon within coding exon 33. This alteration has been observed in at least one individual with a personal and/or family history that is consistent with NF1-related disease (Ambry internal data). This variant is considered to be rare based on population cohorts in the Genome Aggregation Database (gnomAD). In addition to the clinical data, this alteration is expected to result in loss of function by premature protein truncation or nonsense-mediated mRNA decay. As such, this alteration is interpreted as a disease-causing mutation.